The following is an entry in ClinVar:

ClinVar aggregate classification (germline): Uncertain significance (1 of 4 stars; one submission).

Conditions:
Houge-Janssens syndrome 2. Also called: Microcephaly-corpus callosum hypoplasia-intellectual disability-facial dysmorphism syndrome; INTELLECTUAL DEVELOPMENTAL DISORDER, AUTOSOMAL DOMINANT 36; PPP2R1A-Related Neurodevelopmental Disorder. Identifiers: Orphanet 457284, MedGen C4225352, MONDO:0014605, OMIM 616362.

Submission:

Dasa
Classification: Uncertain significance for Houge-Janssens syndrome 2. Last evaluated: 2025-10-25. Review status: criteria provided, single submitter. Criteria: DASA Assertion Criteria. Collection method: clinical testing. Allele origin: germline.
Comment: NM_014225.6(PPP2R1A):c.615C>G (p.Ile205Met) is a missense variant that results in the substitution of isoleucine with methionine. This variant is absent from population databases. The currently available literature and clinical evidence are not sufficient to establish a definitive association between this variant and the reported condition. Therefore, this variant is classified as a variant of uncertain significance.

NM_014225.6(PPP2R1A):c.615C>G (p.Ile205Met)

Gene: PPP2R1A (protein phosphatase 2 scaffold subunit Aalpha; plus strand). Cytogenetic location: 19q13.41.
Variant type: single nucleotide variant.
Coding change: c.615C>G on transcript NM_014225.6 (MANE Select); coding-DNA position 615, C replaced by G.
Protein change: p.Ile205Met; replaces isoleucine 205 with methionine.
Molecular consequence: missense variant. On other transcripts: non-coding transcript variant (1).
Genome position (GRCh38, 1-based): chr19:52,212,797, C>G. VCF-style: chr19-52212797-C-G. GRCh37 (hg19) VCF-style: chr19-52716050-C-G.
Other names: c.78C>G, p.Ile26Met (NM_001363656.2); short protein forms I205M, I26M.
Identifiers: ClinVar variation 4883558 (VCV004883558.2).